The following is an entry in ClinVar:

ClinVar aggregate classification (germline): Conflicting classifications of pathogenicity. Review status: criteria provided, conflicting classifications (1 of 4 stars). 2 submissions from 2 submitters: Uncertain significance (1); Likely benign (1). Last evaluated 2023-02-01.

Allele frequency attached by ClinVar (database versions not stated): ExAC 0.00006; gnomAD exomes 0.00008; gnomAD 0.00039; ESP Exome Variant Server 0.00048; 1000 Genomes Project 0.00100.
gnomAD v4.1: 95 of 1,542,204 alleles (0.0062%); highest among the groups gnomAD compares: African/African-American, 0.12%; 10 homozygotes.

Submissions (2):

CeGaT Center for Human Genetics Tuebingen
Classification: Likely benign. Last evaluated: 2023-02-01. Review status: criteria provided, single submitter. Criteria: CeGaT Center For Human Genetics Tuebingen Variant Classification Criteria Version 2. Collection method: clinical testing. Allele origin: germline. Affected: yes. Observed: 1 variant allele.
Comment: OGFR: BP4, BS2

Ambry Genetics
Classification: Uncertain significance. Last evaluated: 2021-07-20. Review status: criteria provided, single submitter. Criteria: Ambry Variant Classification Scheme 2023. Collection method: clinical testing. Allele origin: germline.

NM_007346.4(OGFR):c.1796C>T (p.Ser599Leu)

Gene: OGFR (opioid growth factor receptor; plus strand). Cytogenetic location: 20q13.33.
Variant type: single nucleotide variant.
Coding change: c.1796C>T on transcript NM_007346.4 (MANE Select); coding-DNA position 1796, C replaced by T.
Protein change: p.Ser599Leu; replaces serine 599 with leucine.
Molecular consequence: missense variant.
Genome position (GRCh38, 1-based): chr20:62,813,411, C>T. VCF-style: chr20-62813411-C-T. GRCh37 (hg19) VCF-style: chr20-61444763-C-T.
Other names: short protein forms S599L.
Identifiers: ClinVar variation 2207574 (VCV002207574.26), dbSNP rs201144213, ClinGen allele CA9948860.